The following is an entry in ClinVar:

NM_001367721.1(CASK):c.-5G>C

Gene: CASK (calcium/calmodulin dependent serine protein kinase; minus strand). Cytogenetic location: Xp11.4.
Variant type: single nucleotide variant.
Coding change: c.-5G>C on transcript NM_001367721.1 (MANE Select); 5 bases upstream of the start codon, G replaced by C.
Molecular consequence: 5 prime UTR variant.
Genome position (GRCh38, 1-based): chrX:41,922,993, C>G on the plus strand (G>C on the coding strand, the complement: CASK is on the minus strand). VCF-style: chrX-41922993-C-G. GRCh37 (hg19) VCF-style: chrX-41782246-C-G.
Other names: c.-5G>C (NM_001126054.3, NM_001126055.3, NM_001410745.1 and 1 more transcripts).
Identifiers: ClinVar variation 3365200 (VCV003365200.1).

ClinVar aggregate classification (germline): Uncertain significance (1 of 4 stars; one submission).

Submission:

GeneDx
Classification: Uncertain significance. Last evaluated: 2023-12-22. Review status: criteria provided, single submitter. Criteria: GeneDx Variant Classification Process June 2021. Collection method: clinical testing. Allele origin: germline. Affected: yes.
Comment: Not observed at significant frequency in large population cohorts (gnomAD); Located in a region that tolerates variation and lacks pathogenic variants; Has not been previously published as pathogenic or benign to our knowledge